The following is an entry in ClinVar:

NM_000179.3(MSH6):c.4001+10T>C

Gene: MSH6 (mutS homolog 6; plus strand). Cytogenetic location: 2p16.3.
Variant type: single nucleotide variant.
Coding change: c.4001+10T>C on transcript NM_000179.3 (MANE Select); 10 bases into the intron after coding-DNA position 4001, T replaced by C.
Molecular consequence: intron variant.
Genome position (GRCh38, 1-based): chr2:47,806,661, T>C. VCF-style: chr2-47806661-T-C. GRCh37 (hg19) VCF-style: chr2-48033800-T-C.
Other names: c.3095+10T>C (NM_001281493.2, NM_001281494.2); c.3611+10T>C (NM_001281492.2).
Identifiers: ClinVar variation 1092298 (VCV001092298.10), dbSNP rs2104569225, ClinGen allele CA2499216151.

ClinVar aggregate classification (germline): Likely benign. Review status: criteria provided, multiple submitters, no conflicts (2 of 4 stars). 2 submissions from 2 submitters: Likely benign (2). Last evaluated 2025-01-09.

Conditions:
Lynch syndrome 5 (LYNCH5). Also called: Colorectal cancer, hereditary nonpolyposis, type 5; Hereditary non-polyposis colorectal cancer, type 5. Identifiers: Orphanet 144, MedGen C1833477, MONDO:0013710, OMIM 614350. Disease mechanism: loss of function.
Hereditary nonpolyposis colorectal neoplasms. Identifiers: MedGen C0009405, MeSH D003123.

Submissions (2):

Myriad Genetics, Inc.
Classification: Likely benign for Lynch syndrome 5. Last evaluated: 2025-01-09. Review status: criteria provided, single submitter. Criteria: Myriad Autosomal Dominant, Autosomal Recessive and X-Linked Classification Criteria (2023). Collection method: clinical testing. Allele origin: unknown.
Comment: This variant is considered likely benign. This variant is intronic and is not expected to impact mRNA splicing.

Labcorp Genetics (formerly Invitae), Labcorp
Classification: Likely benign for Hereditary nonpolyposis colorectal neoplasms. Last evaluated: 2020-10-12. Review status: criteria provided, single submitter. Criteria: Invitae Variant Classification Sherloc (09022015). Collection method: clinical testing. Allele origin: germline.